The following is an entry in ClinVar:

ClinVar aggregate classification (germline): Uncertain significance. Review status: reviewed by expert panel (3 of 4 stars). 2 submissions from 2 submitters: Uncertain significance (1). 1 of the submissions does not count toward it. Last evaluated 2024-08-01.

Conditions:
Hereditary thrombocytopenia and hematological cancer predisposition syndrome associated with RUNX1. Also called: Familial Platelet Disorder with Propensity to Acute Myelogenous Leukemia; Familial thrombocytopenia with propensity to acute myelogenous leukemia; PLATELET DISORDER, ASPIRIN-LIKE; RUNX1 Familial Platelet Disorder with Associated Myeloid Malignancies. Identifiers: Orphanet 71290, MedGen C1832388, MeSH C563324, MONDO:0100083, OMIM 601399.
Hereditary thrombocytopenia and hematologic cancer predisposition syndrome. Identifiers: Orphanet 71290, MedGen CN281654, MONDO:0011071.

Submissions (2):

ClinGen Myeloid Malignancy Variant Curation Expert Panel
Classification: Uncertain significance for Hereditary thrombocytopenia and hematologic cancer predisposition syndrome. Last evaluated: 2024-08-01. Review status: reviewed by expert panel. Criteria: ClinGen MyeloMalig ACMG Specifications v2. Collection method: curation. Allele origin: germline. Inheritance: Autosomal dominant inheritance.
Comment: NM_001754.5(RUNX1):c.557T>G (p.Val186Gly)is a missense variant which is completely absent from all population databases with at least 20x coverage for RUNX1 in gnomAD v2.1.1 and v3.1.2 (PM2_supporting). This missense variant is located within the Runt Homology Domain (AA 89-204), but does not occur in an established hotspot residue (PM1_supporting). This variant has a REVEL score ≥ 0.88 (0.957) (PP3). In summary, the clinical significance of this variant is uncertain. ACMG/AMP criteria applied, as specified by the Myeloid Malignancy Variant Curation Expert Panel for RUNX1: PM2_supporting, PM1_supporting, PP3.

Labcorp Genetics (formerly Invitae), Labcorp
Classification: Uncertain significance for Hereditary thrombocytopenia and hematological cancer predisposition syndrome associated with RUNX1. Last evaluated: 2022-03-23. Review status: criteria provided, single submitter. Criteria: Invitae Variant Classification Sherloc (09022015). Collection method: clinical testing. Allele origin: germline. Not counted in ClinVar's aggregate classification.
Comment: In summary, the available evidence is currently insufficient to determine the role of this variant in disease. Therefore, it has been classified as a Variant of Uncertain Significance. Algorithms developed to predict the effect of missense changes on protein structure and function are either unavailable or do not agree on the potential impact of this missense change (SIFT: "Deleterious"; PolyPhen-2: "Possibly Damaging"; Align-GVGD: "Class C0"). This variant has not been reported in the literature in individuals affected with RUNX1-related conditions. This variant is not present in population databases (gnomAD no frequency). This sequence change replaces valine, which is neutral and non-polar, with glycine, which is neutral and non-polar, at codon 186 of the RUNX1 protein (p.Val186Gly).

NM_001754.5(RUNX1):c.557T>G (p.Val186Gly)

Genes: RUNX1 (RUNX family transcription factor 1; minus strand), RUNX1-AS1 (RUNX1 antisense RNA 1; plus strand). Cytogenetic location: 21q22.12.
Variant type: single nucleotide variant.
Coding change: c.557T>G on transcript NM_001754.5 (MANE Select); coding-DNA position 557, T replaced by G.
Protein change: p.Val186Gly; replaces valine 186 with glycine.
Molecular consequence: missense variant.
Genome position (GRCh38, 1-based): chr21:34,859,530, A>C on the plus strand (T>G on the coding strand, the complement: RUNX1 is on the minus strand). VCF-style: chr21-34859530-A-C. GRCh37 (hg19) VCF-style: chr21-36231827-A-C.
Other names: NM_001754.5(RUNX1):c.557T>G; p.Val186Gly; c.476T>G, p.Val159Gly (NM_001001890.3, NM_001122607.2); short protein forms V159G, V186G.
Identifiers: ClinVar variation 2116304 (VCV002116304.5), dbSNP rs797045927, ClinGen allele CA410208053.